The following is an entry in ClinVar:

NM_002653.5(PITX1):c.441C>T (p.Arg147=)

Gene: PITX1 (paired like homeodomain 1; minus strand). Cytogenetic location: 5q31.1.
Variant type: single nucleotide variant.
Coding change: c.441C>T on transcript NM_002653.5 (MANE Select); coding-DNA position 441, C replaced by T.
Protein change: p.Arg147=; no amino-acid change (arginine 147 retained).
Molecular consequence: synonymous variant.
Genome position (GRCh38, 1-based): chr5:135,029,283, G>A on the plus strand (C>T on the coding strand, the complement: PITX1 is on the minus strand). VCF-style: chr5-135029283-G-A. GRCh37 (hg19) VCF-style: chr5-134364973-G-A.
Identifiers: ClinVar variation 4977978 (VCV004977978.1).

ClinVar aggregate classification (germline): Likely benign (1 of 4 stars; one submission).

Conditions:
PITX1-related disorder. Also called: PITX1-related condition.

Submission:

PreventionGenetics, part of Exact Sciences
Classification: Likely benign for PITX1-related condition. Last evaluated: 2025-04-28. Review status: criteria provided, single submitter. Criteria: ACMG Guidelines, 2015. Collection method: clinical testing. Allele origin: germline.
Comment: This variant is classified as likely benign based on ACMG/AMP sequence variant interpretation guidelines (Richards et al. 2015 PMID: 25741868, with internal and published modifications).